The following is an entry in ClinVar:

ClinVar aggregate classification (germline): Benign. Review status: criteria provided, multiple submitters, no conflicts (2 of 4 stars). 3 submissions from 3 submitters: Benign (3). Last evaluated 2026-02-03.

Conditions:
Adenylosuccinate lyase deficiency (ADSLD). Also called: ADSL DEFICIENCY. Identifiers: Orphanet 46, MedGen C0268126, MONDO:0007068, OMIM 103050.

Allele frequency attached by ClinVar (database versions not stated): gnomAD 0.20928 and 0.21102; 1000 Genomes Project 30x 0.21455; 1000 Genomes Project 0.20946; TOPMed 0.22398.

Submissions (3):

Labcorp Genetics (formerly Invitae), Labcorp
Classification: Benign for Adenylosuccinate lyase deficiency. Last evaluated: 2026-02-03. Review status: criteria provided, single submitter. Criteria: Invitae Variant Classification Sherloc (09022015). Collection method: clinical testing. Allele origin: germline.

GeneDx
Classification: Benign. Last evaluated: 2018-06-14. Review status: criteria provided, single submitter. Criteria: GeneDx Variant Classification (06012015). Collection method: clinical testing. Allele origin: germline. Affected: yes.
Comment: This variant is considered likely benign or benign based on one or more of the following criteria: it is a conservative change, it occurs at a poorly conserved position in the protein, it is predicted to be benign by multiple in silico algorithms, and/or has population frequency not consistent with disease.

Breakthrough Genomics
Classification: Benign. Review status: criteria provided, single submitter. Criteria: ACMG Guidelines, 2015. Collection method: not provided. Allele origin: germline. Inheritance: Autosomal recessive inheritance. Affected: yes.

NC_000022.11:g.40346413C>T

Gene: ADSL (adenylosuccinate lyase; plus strand). Cytogenetic location: 22q13.1.
Variant type: single nucleotide variant.
Genome position: GRCh38 VCF-style: chr22-40346413-C-T. GRCh37 (hg19) VCF-style: chr22-40742417-C-T.
Identifiers: ClinVar variation 670627 (VCV000670627.11), dbSNP rs909669, ClinGen allele CA14960040.